The following is an entry in ClinVar:

ClinVar aggregate classification (germline): Benign. Review status: criteria provided, multiple submitters, no conflicts (2 of 4 stars). 8 submissions from 8 submitters: Benign (8). Last evaluated 2026-02-01.

Conditions:
Nephrotic syndrome, type 3 (NPHS3). Also called: NEPHROTIC SYNDROME, EARLY-ONSET, TYPE 3. Identifiers: Orphanet 656, MedGen C1853124, MONDO:0012546, OMIM 610725.

Allele frequency attached by ClinVar (database versions not stated): gnomAD exomes 0.02622 and 0.03237; ExAC 0.03476; ESP Exome Variant Server 0.05072; gnomAD 0.05119 and 0.05210; TOPMed 0.05642; 1000 Genomes Project 0.06530; 1000 Genomes Project 30x 0.06824.
gnomAD v4.1: 46,570 of 1,613,768 alleles (2.9%); highest among the groups gnomAD compares: African/African-American, 12%; 1,123 homozygotes.

Submissions (8):

Labcorp Genetics (formerly Invitae), Labcorp
Classification: Benign. Last evaluated: 2026-02-01. Review status: criteria provided, single submitter. Criteria: Invitae Variant Classification Sherloc (09022015). Collection method: clinical testing. Allele origin: germline.

Blueprint Genetics
Classification: Benign. Last evaluated: 2024-11-27. Review status: criteria provided, single submitter. Criteria: ACMG Guidelines, 2015. Collection method: clinical testing. Allele origin: germline.

Mayo Clinic Laboratories, Mayo Clinic
Classification: Benign. Last evaluated: 2022-03-09. Review status: criteria provided, single submitter. Criteria: ACMG Guidelines, 2015. Collection method: clinical testing. Allele origin: germline. Observed: 12 variant alleles.

GeneDx
Classification: Benign. Last evaluated: 2018-11-12. Review status: criteria provided, single submitter. Criteria: GeneDx Variant Classification Process June 2021. Collection method: clinical testing. Allele origin: germline. Affected: yes.

Illumina Laboratory Services, Illumina
Classification: Benign for Nephrotic syndrome, type 3. Last evaluated: 2018-01-13. Review status: criteria provided, single submitter. Criteria: ICSL Variant Classification Criteria 13 December 2019. Collection method: clinical testing. Allele origin: germline.
Comment: This variant was observed in the ICSL laboratory as part of a predisposition screen in an ostensibly healthy population. It had not been previously curated by ICSL or reported in the Human Gene Mutation Database (HGMD: prior to June 1st, 2018), and was therefore a candidate for classification through an automated scoring system. Utilizing variant allele frequency, disease prevalence and penetrance estimates, and inheritance mode, an automated score was calculated to assess if this variant is too frequent to cause the disease. Based on the score and internal cut-off values, a variant classified as benign is not then subjected to further curation. The score for this variant resulted in a classification of benign for this disease.

Athena Diagnostics
Classification: Benign. Last evaluated: 2017-08-11. Review status: criteria provided, single submitter. Criteria: Athena Diagnostics Criteria. Collection method: clinical testing. Allele origin: germline.

Breakthrough Genomics
Classification: Benign. Review status: criteria provided, single submitter. Criteria: ACMG Guidelines, 2015. Collection method: not provided. Allele origin: germline. Inheritance: Autosomal recessive inheritance. Affected: yes.

PreventionGenetics, part of Exact Sciences
Classification: Benign. Review status: criteria provided, single submitter. Criteria: ACMG Guidelines, 2015. Collection method: clinical testing. Allele origin: germline.

NM_016341.4(PLCE1):c.4263G>A (p.Ser1421=)

Gene: PLCE1 (phospholipase C epsilon 1; plus strand). Cytogenetic location: 10q23.33.
Variant type: single nucleotide variant.
Coding change: c.4263G>A on transcript NM_016341.4 (MANE Select); coding-DNA position 4263, G replaced by A.
Protein change: p.Ser1421=; no amino-acid change (serine 1421 retained).
Molecular consequence: synonymous variant.
Genome position (GRCh38, 1-based): chr10:94,265,940, G>A. VCF-style: chr10-94265940-G-A. GRCh37 (hg19) VCF-style: chr10-96025697-G-A.
Other names: p.Ser1421=; c.3339G>A, p.Ser1113= (NM_001165979.2); c.4215G>A, p.Ser1405= (NM_001288989.2).
Identifiers: ClinVar variation 260719 (VCV000260719.18), dbSNP rs41291134, ClinGen allele CA5613086.
Genomic context (GRCh38, chr10:94,265,940, plus strand): 5'-TTACATCGAATCTTCGCACAATACCTACCTCACGGGCCATCAGCTCAAAGGAGAATCCTC[G>A]GTAGAACTCTACAGCCAGGTACAGGGAATGCCACTTGGAATGTGGTTTTTATTAAACCTA-3'
Protein context (NP_057425.3, residues 1411-1431): LTGHQLKGES[Ser1421=]VELYSQVLLQ